The following is an entry in ClinVar:

NM_000017.4(ACADS):c.222G>A (p.Met74Ile)

Gene: ACADS (acyl-CoA dehydrogenase short chain; plus strand). Cytogenetic location: 12q24.31.
Variant type: single nucleotide variant.
Coding change: c.222G>A on transcript NM_000017.4 (MANE Select); coding-DNA position 222, G replaced by A.
Protein change: p.Met74Ile; replaces methionine 74 with isoleucine.
Molecular consequence: missense variant.
Genome position (GRCh38, 1-based): chr12:120,736,997, G>A. VCF-style: chr12-120736997-G-A. GRCh37 (hg19) VCF-style: chr12-121174800-G-A.
Other names: c.222G>A, p.Met74Ile (NM_001302554.2); short protein forms M74I.
Identifiers: ClinVar variation 2091034 (VCV002091034.4), dbSNP rs2501187535, ClinGen allele CA386613946.
Genomic context (GRCh38, chr12:120,736,997, plus strand): 5'-GCTCGCCCCCGGCAGCTGCCCATGGCGTGCCGTCCTTCCCTGTGCCCAGGTGAAGAAGAT[G>A]GGCGGGCTTGGGCTTCTGGCCATGGACGTGCCCGAGGAGCTTGGCGGTGCTGGCCTCGAT-3'
Protein context (NP_000008.1, residues 64-84): HLFPAAQVKK[Met74Ile]GGLGLLAMDV

ClinVar aggregate classification (germline): Uncertain significance (1 of 4 stars; one submission).

Conditions:
Deficiency of butyryl-CoA dehydrogenase (ACADSD). Also called: SCAD Deficiency; Short-Chain Acyl-CoA Dehydrogenase Deficiency; SCADH DEFICIENCY; ACADS DEFICIENCY; SCAD DEFICIENCY, MILD; ACYL-CoA DEHYDROGENASE, SHORT-CHAIN, DEFICIENCY OF. Identifiers: Orphanet 26792, MedGen C0342783, MONDO:0008722, OMIM 201470. Disease mechanism: May be benign.

Submission:

Labcorp Genetics (formerly Invitae), Labcorp
Classification: Uncertain significance for Deficiency of butyryl-CoA dehydrogenase. Last evaluated: 2022-07-19. Review status: criteria provided, single submitter. Criteria: Invitae Variant Classification Sherloc (09022015). Collection method: clinical testing. Allele origin: germline.
Comment: This sequence change replaces methionine, which is neutral and non-polar, with isoleucine, which is neutral and non-polar, at codon 74 of the ACADS protein (p.Met74Ile). In summary, the available evidence is currently insufficient to determine the role of this variant in disease. Therefore, it has been classified as a Variant of Uncertain Significance. Algorithms developed to predict the effect of missense changes on protein structure and function (SIFT, PolyPhen-2, Align-GVGD) all suggest that this variant is likely to be tolerated. This variant has not been reported in the literature in individuals affected with ACADS-related conditions. This variant is not present in population databases (gnomAD no frequency).